The following is an entry in ClinVar:

ClinVar aggregate classification (germline): Uncertain significance (1 of 4 stars; one submission).

Submission:

GeneDx
Classification: Uncertain significance. Last evaluated: 2024-01-11. Review status: criteria provided, single submitter. Criteria: GeneDx Variant Classification Process June 2021. Collection method: clinical testing. Allele origin: germline. Affected: yes.
Comment: In-frame deletion of 1 amino acid in a non-repeat region; Not observed at significant frequency in large population cohorts (gnomAD); In silico analysis, which includes protein predictors and evolutionary conservation, supports a deleterious effect; Has not been previously published as pathogenic or benign to our knowledge

NM_016239.4(MYO15A):c.5844GAG[2] (p.Arg1950del)

Gene: MYO15A (myosin XVA; plus strand). Cytogenetic location: 17p11.2.
Variant type: Microsatellite.
Coding change: c.5844GAG[2] on transcript NM_016239.4 (MANE Select); two copies in a row of the 3-base unit GAG starting at c.5844; the reference has three copies in a row; one copy, 3 bases deleted; also written c.5850_5852del.
Protein change: p.Arg1950del; deletes arginine 1950.
Molecular consequence: inframe deletion.
Genome position (GRCh38, 1-based): chr17:18,142,780-18,142,782, GAG deleted; deleting any 3 consecutive bases within chr17:18,142,774-18,142,782 gives the same sequence; the position shown is the placement nearest the transcript's 3' end. VCF-style (leftmost placement, unchanged base first): chr17-18142773-TGAG-T. GRCh37 (hg19) VCF-style: chr17-18046087-TGAG-T.
Other names: c.5850_5852delGAG (NM_016239.3); c.5850_5852del (NM_016239.3); short protein forms R1950del.
Identifiers: ClinVar variation 1196966 (VCV001196966.3), dbSNP rs778977711, ClinGen allele CA8424420.
Genomic context (GRCh38, chr17:18,142,773, plus strand): 5'-CCCTGTGGCCCCAATCCCTGACCTCCCCACTACCCCAACCCAGGCAACGCTATCAGCAGA[TGAG>T]GAGGAGTCTGGTGAAGTTCCGGTCCCTGGTACACGCATACGTGAGCCGCCGACGCTATCT-3'